The following is an entry in ClinVar:

ClinVar aggregate classification (germline): Uncertain significance (1 of 4 stars; one submission).

Allele frequency attached by ClinVar (database versions not stated): gnomAD exomes 0.00001 and 0.00003; ExAC 0.00004; gnomAD 0.00005; TOPMed 0.00006.
gnomAD v4.1: 22 of 1,607,982 alleles (0.0014%); highest among the groups gnomAD compares: African/African-American, 0.015%; no homozygotes.

Submission:

Laboratory for Molecular Medicine, Mass General Brigham Personalized Medicine
Classification: Uncertain significance. Last evaluated: 2019-02-06. Review status: criteria provided, single submitter. Criteria: LMM Criteria. Collection method: clinical testing. Allele origin: germline. Observed: 2 variant alleles.
Comment: The p.Arg2277Gln variant in TRIOBP has not been previously reported in individuals with hearing loss but has been identified in 0.017% (4/23080) of African chromosomes by gnomAD. Computational prediction tools and conservation analysis do not provide strong support for or against an impact to the protein. In summary, the clinical significance of this variant is uncertain. ACMG/AMP Criteria applied: PM2_Supporting.

NM_001039141.3(TRIOBP):c.6830G>A (p.Arg2277Gln)

Gene: TRIOBP (TRIO and F-actin binding protein; plus strand). Cytogenetic location: 22q13.1.
Variant type: single nucleotide variant.
Coding change: c.6830G>A on transcript NM_001039141.3 (MANE Select); coding-DNA position 6830, G replaced by A.
Protein change: p.Arg2277Gln; replaces arginine 2277 with glutamine.
Molecular consequence: missense variant.
Genome position (GRCh38, 1-based): chr22:37,769,356, G>A. VCF-style: chr22-37769356-G-A. GRCh37 (hg19) VCF-style: chr22-38165363-G-A.
Other names: c.1691G>A, p.Arg564Gln (NM_007032.5); short protein forms R2277Q, R564Q.
Identifiers: ClinVar variation 667343 (VCV000667343.5), dbSNP rs775565659, ClinGen allele CA10225206.